The following is an entry in ClinVar:

NM_022489.4(INF2):c.643A>C (p.Thr215Pro)

Gene: INF2 (inverted formin 2; plus strand). Cytogenetic location: 14q32.33.
Variant type: single nucleotide variant.
Coding change: c.643A>C on transcript NM_022489.4 (MANE Select); coding-DNA position 643, A replaced by C.
Protein change: p.Thr215Pro; replaces threonine 215 with proline.
Molecular consequence: missense variant.
Genome position (GRCh38, 1-based): chr14:104,703,430, A>C. VCF-style: chr14-104703430-A-C. GRCh37 (hg19) VCF-style: chr14-105169767-A-C.
Other names: c.643A>C, p.Thr215Pro (NM_001031714.4, NM_032714.3); short protein forms T215P.
Identifiers: ClinVar variation 3255210 (VCV003255210.2), dbSNP rs2504243807.

ClinVar aggregate classification (germline): Uncertain significance (1 of 4 stars; one submission).

Conditions:
Focal segmental glomerulosclerosis 5 (FSGS5). Identifiers: Orphanet 656, MedGen C2750475, MONDO:0013191, OMIM 613237.

Submission:

Victorian Clinical Genetics Services, Murdoch Childrens Research Institute
Classification: Uncertain significance for Focal segmental glomerulosclerosis 5. Last evaluated: 2024-09-21. Review status: criteria provided, single submitter. Criteria: ACMG Guidelines, 2015. Collection method: clinical testing. Allele origin: germline. Inheritance: Autosomal dominant inheritance. Affected: yes.
Comment: Based on the classification scheme VCGS_Germline_v1.3.4, this variant is classified as VUS-3B. Following criteria are met: 0105 - The mechanism of disease for this gene is not clearly established. However, both loss of function and gain of function have been suggested (PMID: 32451589). (I) 0107 - This gene is associated with autosomal dominant disease. (I) 0112 - The condition associated with this gene has incomplete penetrance (PMID: 32451589). (I) 0115 - Variants in this gene are known to have variable expressivity, with interfamilial and intrafamilial phenotypic variabilities described (PMID: 32451589). (I) 0200 - Variant is predicted to result in a missense amino acid change from threonine to proline. (I) 0251 - This variant is heterozygous. (I) 0301 - Variant is absent from gnomAD (both v2 and v3). (SP) 0503 - Missense variant consistently predicted to be tolerated by multiple in silico tools or not conserved in placental mammals with a minor amino acid change. (SB) 0600 - Variant is located in the annotated diaphanous FH3 domain (DECIPHER). (I) 0704 - Another missense variant comparable to the one identified in this case has limited previous evidence of pathogenicity. This individual also had a missense variant in ROBO2 that was not present in the mother; however, it was present in an unaffected sister who did not have the INF2 variant (PMID: 37772439). (SP) 0807 - This variant has no previous evidence of pathogenicity. (I) 0905 - No published segregation evidence has been identified for this variant. (I) 1007 - No published functional evidence has been identified for this variant. (I) 1208 - Inheritance information for this variant is not currently available in this individual. (I) Legend: (SP) - Supporting pathogenic, (I) - Information, (SB) - Supporting benign

Literature cited by the submitters: PubMed 32451589; PubMed 37772439.